The following is an entry in ClinVar:

NM_145207.3(AFG2A):c.1064T>G (p.Ile355Arg)

Gene: AFG2A (AAA ATPase AFG2A; plus strand). Cytogenetic location: 4q28.1.
Variant type: single nucleotide variant.
Coding change: c.1064T>G on transcript NM_145207.3 (MANE Select); coding-DNA position 1064, T replaced by G.
Protein change: p.Ile355Arg; replaces isoleucine 355 with arginine.
Molecular consequence: missense variant.
Genome position (GRCh38, 1-based): chr4:122,934,655, T>G. VCF-style: chr4-122934655-T-G. GRCh37 (hg19) VCF-style: chr4-123855810-T-G.
Other names: c.1061T>G, p.Ile354Arg (NM_001317799.2, NM_001345856.2); short protein forms I354R, I355R.
Identifiers: ClinVar variation 943154 (VCV000943154.6), dbSNP rs751213743, ClinGen allele CA358103127.

ClinVar aggregate classification (germline): Uncertain significance (1 of 4 stars; one submission).

Conditions:
Microcephaly-intellectual disability-sensorineural hearing loss-epilepsy-abnormal muscle tone syndrome (NEDHSB). Also called: NEURODEVELOPMENTAL DISORDER WITH HEARING LOSS, SEIZURES, AND BRAIN ABNORMALITIES. Identifiers: Orphanet 457351, MedGen C4225276, MONDO:0014698, OMIM 616577.

Allele frequency attached by ClinVar (database versions not stated): TOPMed below 0.00001; gnomAD 0.00001.
gnomAD v4.1: 2 of 1,611,860 alleles (0.00012%); highest among the groups gnomAD compares: Admixed American, 0.0017%; no homozygotes.

Submission:

Labcorp Genetics (formerly Invitae), Labcorp
Classification: Uncertain significance for Microcephaly-intellectual disability-sensorineural hearing loss-epilepsy-abnormal muscle tone syndrome. Last evaluated: 2020-04-24. Review status: criteria provided, single submitter. Criteria: Invitae Variant Classification Sherloc (09022015). Collection method: clinical testing. Allele origin: germline.
Comment: This sequence change replaces isoleucine with arginine at codon 355 of the SPATA5 protein (p.Ile355Arg). The isoleucine residue is highly conserved and there is a moderate physicochemical difference between isoleucine and arginine. In summary, the available evidence is currently insufficient to determine the role of this variant in disease. Therefore, it has been classified as a Variant of Uncertain Significance. Algorithms developed to predict the effect of missense changes on protein structure and function (SIFT, PolyPhen-2, Align-GVGD) all suggest that this variant is likely to be disruptive, but these predictions have not been confirmed by published functional studies and their clinical significance is uncertain. This variant has not been reported in the literature in individuals with SPATA5-related conditions. This variant is not present in population databases (ExAC no frequency).